The following is an entry in ClinVar:

NM_004281.4(BAG3):c.533A>G (p.Asp178Gly)

Gene: BAG3 (BAG cochaperone 3; plus strand). Cytogenetic location: 10q26.11.
Variant type: single nucleotide variant.
Coding change: c.533A>G on transcript NM_004281.4 (MANE Select); coding-DNA position 533, A replaced by G.
Protein change: p.Asp178Gly; replaces aspartic acid 178 with glycine.
Molecular consequence: missense variant.
Genome position (GRCh38, 1-based): chr10:119,672,280, A>G. VCF-style: chr10-119672280-A-G. GRCh37 (hg19) VCF-style: chr10-121431792-A-G.
Other names: short protein forms D178G.
Identifiers: ClinVar variation 1982670 (VCV001982670.6), dbSNP rs2494013401, ClinGen allele CA378295284.

ClinVar aggregate classification (germline): Uncertain significance. Review status: criteria provided, multiple submitters, no conflicts (2 of 4 stars). 3 submissions from 3 submitters: Uncertain significance (3). Last evaluated 2026-03-11.

Conditions:
Dilated cardiomyopathy 1HH (CMD1HH). Identifiers: Orphanet 154, MedGen C3151293, MONDO:0013479, OMIM 613881.
Myofibrillar myopathy 6. Identifiers: Orphanet 199340, MedGen C2751831, MONDO:0013061, OMIM 612954.
Cardiovascular phenotype. Identifiers: MedGen CN230736.

Submissions (3):

Ambry Genetics
Classification: Uncertain significance for Cardiovascular phenotype. Last evaluated: 2026-03-11. Review status: criteria provided, single submitter. Criteria: Ambry Variant Classification Scheme 2023. Collection method: clinical testing. Allele origin: germline.
Comment: The p.D178G variant (also known as c.533A>G), located in coding exon 3 of the BAG3 gene, results from an A to G substitution at nucleotide position 533. The aspartic acid at codon 178 is replaced by glycine, an amino acid with similar properties. This amino acid position is conserved. In addition, the in silico prediction for this alteration is inconclusive. Based on the available evidence, the clinical significance of this variant remains unclear.

Labcorp Genetics (formerly Invitae), Labcorp
Classification: Uncertain significance for Dilated cardiomyopathy 1HH; Myofibrillar myopathy 6. Last evaluated: 2024-04-14. Review status: criteria provided, single submitter. Criteria: Invitae Variant Classification Sherloc (09022015). Collection method: clinical testing. Allele origin: germline.
Comment: This sequence change replaces aspartic acid, which is acidic and polar, with glycine, which is neutral and non-polar, at codon 178 of the BAG3 protein (p.Asp178Gly). This variant is not present in population databases (gnomAD no frequency). This variant has not been reported in the literature in individuals affected with BAG3-related conditions. ClinVar contains an entry for this variant (Variation ID: 1982670). An algorithm developed to predict the effect of missense changes on protein structure and function (PolyPhen-2) suggests that this variant is likely to be disruptive. In summary, the available evidence is currently insufficient to determine the role of this variant in disease. Therefore, it has been classified as a Variant of Uncertain Significance.

Women's Health and Genetics/Laboratory Corporation of America, LabCorp
Classification: Uncertain significance. Last evaluated: 2023-08-19. Review status: criteria provided, single submitter. Criteria: LabCorp Variant Classification Summary - May 2015. Collection method: clinical testing. Allele origin: germline.